The following is an entry in ClinVar:

ClinVar aggregate classification (germline): Uncertain significance (1 of 4 stars; one submission).

Conditions:
Peroxisome biogenesis disorder 5A (Zellweger) (PBD5A). Identifiers: Orphanet 912, MedGen C3553940, MONDO:0013932, OMIM 614866.

Submission:

Labcorp Genetics (formerly Invitae), Labcorp
Classification: Uncertain significance for Peroxisome biogenesis disorder 5A (Zellweger). Last evaluated: 2021-07-06. Review status: criteria provided, single submitter. Criteria: Invitae Variant Classification Sherloc (09022015). Collection method: clinical testing. Allele origin: germline.
Comment: This sequence change replaces lysine with threonine at codon 294 of the PEX2 protein (p.Lys294Thr). The lysine residue is moderately conserved and there is a moderate physicochemical difference between lysine and threonine. This variant is not present in population databases (ExAC no frequency). This variant has not been reported in the literature in individuals affected with PEX2-related conditions. Algorithms developed to predict the effect of missense changes on protein structure and function are either unavailable or do not agree on the potential impact of this missense change (SIFT: "Tolerated"; PolyPhen-2: "Possibly Damaging"; Align-GVGD: "Class C0"). In summary, the available evidence is currently insufficient to determine the role of this variant in disease. Therefore, it has been classified as a Variant of Uncertain Significance.

NM_000318.3(PEX2):c.881A>C (p.Lys294Thr)

Gene: PEX2 (peroxisomal biogenesis factor 2; minus strand). Cytogenetic location: 8q21.13.
Variant type: single nucleotide variant.
Coding change: c.881A>C on transcript NM_000318.3 (MANE Select); coding-DNA position 881, A replaced by C.
Protein change: p.Lys294Thr; replaces lysine 294 with threonine.
Molecular consequence: missense variant.
Genome position (GRCh38, 1-based): chr8:76,983,298, T>G on the plus strand (A>C on the coding strand, the complement: PEX2 is on the minus strand). VCF-style: chr8-76983298-T-G. GRCh37 (hg19) VCF-style: chr8-77895534-T-G.
Other names: c.881A>C, p.Lys294Thr (NM_001079867.2, NM_001172086.2, NM_001172087.2); short protein forms K294T.
Identifiers: ClinVar variation 1524759 (VCV001524759.8), dbSNP rs2132042875, ClinGen allele CA371556364.